The following is an entry in ClinVar:

NM_001365276.2(TNXB):c.6446C>G (p.Thr2149Ser)

Gene: TNXB (tenascin XB; minus strand). Cytogenetic location: 6p21.33.
Variant type: single nucleotide variant.
Coding change: c.6446C>G on transcript NM_001365276.2 (MANE Select); coding-DNA position 6446, C replaced by G.
Protein change: p.Thr2149Ser; replaces threonine 2149 with serine.
Molecular consequence: missense variant.
Genome position (GRCh38, 1-based): chr6:32,067,759, G>C on the plus strand (C>G on the coding strand, the complement: TNXB is on the minus strand). VCF-style: chr6-32067759-G-C. GRCh37 (hg19) VCF-style: chr6-32035536-G-C.
Other names: c.6446C>G, p.Thr2149Ser (NM_019105.8); short protein forms T2149S.
Identifiers: ClinVar variation 1711942 (VCV001711942.5), dbSNP rs376166829, ClinGen allele CA3734434.

ClinVar aggregate classification (germline): Uncertain significance. Review status: criteria provided, multiple submitters, no conflicts (2 of 4 stars). 2 submissions from 2 submitters: Uncertain significance (2). Last evaluated 2025-04-12.

Conditions:
Cardiovascular phenotype. Identifiers: MedGen CN230736.

Allele frequency attached by ClinVar (database versions not stated): gnomAD 0.00005; TOPMed 0.00003; ESP Exome Variant Server 0.00008; 1000 Genomes Project 30x 0.00016; gnomAD exomes below 0.00001; ExAC 0.00001.

Submissions (2):

Ambry Genetics
Classification: Uncertain significance for Cardiovascular phenotype. Last evaluated: 2025-04-12. Review status: criteria provided, single submitter. Criteria: Ambry Variant Classification Scheme 2023. Collection method: clinical testing. Allele origin: germline.

GeneDx
Classification: Uncertain significance. Last evaluated: 2022-04-19. Review status: criteria provided, single submitter. Criteria: GeneDx Variant Classification Process June 2021. Collection method: clinical testing. Allele origin: germline. Affected: yes.
Comment: Has not been previously published as pathogenic or benign to our knowledge; In silico analysis supports that this missense variant does not alter protein structure/function